The following is an entry in ClinVar:

NM_020884.7(MYH7B):c.5278G>C (p.Glu1760Gln)

Gene: MYH7B (myosin heavy chain 7B; plus strand). Cytogenetic location: 20q11.22.
Variant type: single nucleotide variant.
Coding change: c.5278G>C on transcript NM_020884.7 (MANE Select); coding-DNA position 5278, G replaced by C.
Protein change: p.Glu1760Gln; replaces glutamic acid 1760 with glutamine.
Molecular consequence: missense variant.
Genome position (GRCh38, 1-based): chr20:35,000,867, G>C. VCF-style: chr20-35000867-G-C. GRCh37 (hg19) VCF-style: chr20-33588670-G-C.
Other names: short protein forms E1760Q.
Identifiers: ClinVar variation 1349999 (VCV001349999.6), dbSNP rs750702462, ClinGen allele CA9828484.
Genomic context (GRCh38, chr20:35,000,867, plus strand): 5'-GACTTGGCCCAGCTGAGCGGGGAGGTGGAGGAGGCTGCACAGGAGAGGCGGGAGGCTGAG[G>C]AGAAGGCCAAAAAGGCCATCACTGATGTGAGGCTGGGCAAGGGCTGTGGGGAGCCTGGGA-3'
Protein context (NP_065935.4, residues 1750-1770): EAAQERREAE[Glu1760Gln]KAKKAITDAA

ClinVar aggregate classification (germline): Uncertain significance (1 of 4 stars; one submission).

Allele frequency attached by ClinVar (database versions not stated): gnomAD 0.00001; ExAC 0.00004; gnomAD exomes 0.00004.
gnomAD v4.1: 34 of 1,613,364 alleles (0.0021%); highest among the groups gnomAD compares: South Asian, 0.037%; no homozygotes.

Submission:

Labcorp Genetics (formerly Invitae), Labcorp
Classification: Uncertain significance. Last evaluated: 2021-11-03. Review status: criteria provided, single submitter. Criteria: Invitae Variant Classification Sherloc (09022015). Collection method: clinical testing. Allele origin: germline.
Comment: This sequence change replaces glutamic acid, which is acidic and polar, with glutamine, which is neutral and polar, at codon 1802 of the MYH7B protein (p.Glu1802Gln). This variant is present in population databases (rs750702462, gnomAD 0.03%). This variant has not been reported in the literature in individuals affected with MYH7B-related conditions. Algorithms developed to predict the effect of missense changes on protein structure and function (SIFT, PolyPhen-2, Align-GVGD) all suggest that this variant is likely to be disruptive. In summary, the available evidence is currently insufficient to determine the role of this variant in disease. Therefore, it has been classified as a Variant of Uncertain Significance.